The following is an entry in ClinVar:

ClinVar aggregate classification (germline): Uncertain significance. Review status: criteria provided, single submitter (1 of 4 stars). 2 submissions from 2 submitters: Uncertain significance (1). 1 of the submissions does not count toward it. Last evaluated 2019-08-02.

Conditions:
RASopathy. Also called: Noonan spectrum disorder; rasopathies. Identifiers: Orphanet 536391, MedGen C5555857, MONDO:0021060.
Noonan syndrome (NS). Also called: Noonan's syndrome. Identifiers: Orphanet 648, MedGen C0028326, MeSH D009634, MONDO:0018997. Disease mechanism: gain of function.

Submissions (2):

Labcorp Genetics (formerly Invitae), Labcorp
Classification: Uncertain significance for Rasopathy. Last evaluated: 2019-08-02. Review status: criteria provided, single submitter. Criteria: Invitae Variant Classification Sherloc (09022015). Collection method: clinical testing. Allele origin: germline.
Comment: This sequence change replaces glutamic acid with glutamine at codon 27 of the SHOC2 protein (p.Glu27Gln). The glutamic acid residue is moderately conserved and there is a small physicochemical difference between glutamic acid and glutamine. This variant is not present in population databases (ExAC no frequency). This variant has not been reported in the literature in individuals with SHOC2-related conditions. Algorithms developed to predict the effect of missense changes on protein structure and function (SIFT, PolyPhen-2, Align-GVGD) all suggest that this variant is likely to be tolerated, but these predictions have not been confirmed by published functional studies and their clinical significance is uncertain. In summary, the available evidence is currently insufficient to determine the role of this variant in disease. Therefore, it has been classified as a Variant of Uncertain Significance.

Service de Génétique Moléculaire, Hôpital Robert Debré
Classification: Likely benign for Noonan syndrome. Review status: no assertion criteria provided. Collection method: clinical testing. Allele origin: maternal. Affected: no. Not counted in ClinVar's aggregate classification.

NM_007373.4(SHOC2):c.79G>C (p.Glu27Gln)

Gene: SHOC2 (SHOC2 leucine rich repeat scaffold protein; plus strand). Cytogenetic location: 10q25.2.
Variant type: single nucleotide variant.
Coding change: c.79G>C on transcript NM_007373.4 (MANE Select); coding-DNA position 79, G replaced by C.
Protein change: p.Glu27Gln; replaces glutamic acid 27 with glutamine.
Molecular consequence: missense variant.
Genome position (GRCh38, 1-based): chr10:110,964,437, G>C. VCF-style: chr10-110964437-G-C. GRCh37 (hg19) VCF-style: chr10-112724195-G-C.
Other names: c.79G>C, p.Glu27Gln (NM_001269039.3, NM_001324336.2, NM_001324337.2); short protein forms E27Q.
Identifiers: ClinVar variation 935079 (VCV000935079.2), dbSNP rs2493838118, ClinGen allele CA378381064.
Genomic context (GRCh38, chr10:110,964,437, plus strand): 5'-AAAGAAAAAGACTCTAAAGAAAAAGATCCCAAAGTACCATCAGCCAAGGAAAGAGAAAAG[G>C]AGGCAAAAGCCTCTGGAGGTTTTGGGAAAGAGAGCAAAGAAAAAGAACCTAAGACCAAAG-3'
Protein context (NP_031399.2, residues 17-37): KVPSAKEREK[Glu27Gln]AKASGGFGKE